The following is an entry in ClinVar:

ClinVar aggregate classification (germline): Uncertain significance (1 of 4 stars; one submission).

Submission:

GeneDx
Classification: Uncertain significance. Last evaluated: 2026-04-23. Review status: criteria provided, single submitter. Criteria: GeneDx Variant Classification Process June 2021. Collection method: clinical testing. Allele origin: germline.
Comment: Not observed at significant frequency in large population cohorts (gnomAD); In silico analysis supports that this missense variant has a deleterious effect on protein structure/function; Has not been previously published as pathogenic or benign to our knowledge

NM_001394062.1(MACF1):c.14828T>C (p.Leu4943Pro)

Genes: MACF1 (microtubule actin crosslinking factor 1; plus strand), LOC114803468 (MACF1 eExon liver enhancer; plus strand). Cytogenetic location: 1p34.3.
Variant type: single nucleotide variant.
Coding change: c.14828T>C on transcript NM_001394062.1 (MANE Select); coding-DNA position 14828, T replaced by C.
Protein change: p.Leu4943Pro; replaces leucine 4943 with proline.
Molecular consequence: missense variant.
Genome position (GRCh38, 1-based): chr1:39,387,670, T>C. VCF-style: chr1-39387670-T-C. GRCh37 (hg19) VCF-style: chr1-39853342-T-C.
Other names: c.8642T>C, p.Leu2881Pro (NM_012090.5); short protein forms L2881P, L4943P.
Identifiers: ClinVar variation 5037605 (VCV005037605.1).